The following is an entry in ClinVar:

NM_005655.4(KLF10):c.628T>A (p.Ser210Thr)

Gene: KLF10 (KLF transcription factor 10; minus strand). Cytogenetic location: 8q22.3.
Variant type: single nucleotide variant.
Coding change: c.628T>A on transcript NM_005655.4 (MANE Select); coding-DNA position 628, T replaced by A.
Protein change: p.Ser210Thr; replaces serine 210 with threonine.
Molecular consequence: missense variant.
Genome position (GRCh38, 1-based): chr8:102,651,704, A>T on the plus strand (T>A on the coding strand, the complement: KLF10 is on the minus strand). VCF-style: chr8-102651704-A-T. GRCh37 (hg19) VCF-style: chr8-103663932-A-T.
Other names: c.595T>A, p.Ser199Thr (NM_001032282.4); c.628T>A (NM_005655.2); short protein forms S199T, S210T.
Identifiers: ClinVar variation 1354379 (VCV001354379.7), dbSNP rs1452329717, ClinGen allele CA371627822.
Genomic context (GRCh38, chr8:102,651,704, plus strand): 5'-CATAAAGTGCAGCACTTGCTTTCTCATCAACATCTGCCACTGTGTTTCTCTCACATTTGG[A>T]TCTGTTTGGTGACACAGCGGCACATGGTATGTTCTTTCTTGCAGCCTCAACATTTAGGTG-3'
Protein context (NP_005646.1, residues 200-220): IPCAAVSPNR[Ser210Thr]KCERNTVADV

ClinVar aggregate classification (germline): Uncertain significance. Review status: criteria provided, multiple submitters, no conflicts (2 of 4 stars). 2 submissions from 2 submitters: Uncertain significance (2). Last evaluated 2026-08-18.

Allele frequency attached by ClinVar (database versions not stated): gnomAD exomes below 0.00001; TOPMed 0.00001.
gnomAD v4.1: 1 of 1,614,148 alleles (0.000062%); highest among the groups gnomAD compares: Non-Finnish European, 0.000085%; no homozygotes.

Submissions (2):

Ambry Genetics
Classification: Uncertain significance. Last evaluated: 2026-08-18. Review status: criteria provided, single submitter. Criteria: Ambry Variant Classification Scheme 2023. Collection method: clinical testing. Allele origin: germline.

Labcorp Genetics (formerly Invitae), Labcorp
Classification: Uncertain significance. Last evaluated: 2023-11-17. Review status: criteria provided, single submitter. Criteria: Invitae Variant Classification Sherloc (09022015). Collection method: clinical testing. Allele origin: germline.
Comment: This sequence change replaces serine, which is neutral and polar, with threonine, which is neutral and polar, at codon 210 of the KLF10 protein (p.Ser210Thr). This variant is not present in population databases (gnomAD no frequency). This variant has not been reported in the literature in individuals affected with KLF10-related conditions. ClinVar contains an entry for this variant (Variation ID: 1354379). An algorithm developed to predict the effect of missense changes on protein structure and function (PolyPhen-2) suggests that this variant is likely to be tolerated. In summary, the available evidence is currently insufficient to determine the role of this variant in disease. Therefore, it has been classified as a Variant of Uncertain Significance.